The following is an entry in ClinVar:

ClinVar aggregate classification (germline): Pathogenic (1 of 4 stars; one submission).

Conditions:
Glycine encephalopathy. Also called: Nonketotic hyperglycinemia; Non-ketotic hyperglycinemia. Identifiers: Orphanet 407, MedGen C0751748, MONDO:0011612, HP:0008288.

Submission:

Labcorp Genetics (formerly Invitae), Labcorp
Classification: Pathogenic for Glycine encephalopathy. Last evaluated: 2024-01-26. Review status: criteria provided, single submitter. Criteria: Invitae Variant Classification Sherloc (09022015). Collection method: clinical testing. Allele origin: unknown.
Comment: A gross deletion of the genomic region encompassing the full coding sequence of the AMT gene has been identified. Loss-of-function variants in AMT are known to be pathogenic (PMID: 16450403). The boundaries of this event are unknown as they extend beyond the assayed region for this gene and therefore may encompass additional genes. This variant has not been reported in the literature in individuals affected with AMT-related conditions. For these reasons, this variant has been classified as Pathogenic.

Literature cited by the submitters: PubMed 16450403.

NC_000003.11:g.(?_49454973)_(49459947_?)del

Genes: AMT (aminomethyltransferase; minus strand), NICN1 (nicolin 1, tubulin polyglutamylase complex subunit; minus strand). Cytogenetic location: 3p21.31.
Variant type: Deletion.
Identifiers: ClinVar variation 3246871 (VCV003246871.1).